The following is an entry in ClinVar:

NM_198291.3(SRC):c.849G>A (p.Glu283=)

Gene: SRC (SRC proto-oncogene, non-receptor tyrosine kinase; plus strand). Cytogenetic location: 20q11.23.
Variant type: single nucleotide variant.
Coding change: c.849G>A on transcript NM_198291.3 (MANE Select); coding-DNA position 849, G replaced by A.
Protein change: p.Glu283=; no amino-acid change (glutamic acid 283 retained).
Molecular consequence: synonymous variant.
Genome position (GRCh38, 1-based): chr20:37,397,844, G>A. VCF-style: chr20-37397844-G-A. GRCh37 (hg19) VCF-style: chr20-36026247-G-A.
Other names: c.849G>A, p.Glu283= (NM_005417.5).
Identifiers: ClinVar variation 3042787 (VCV003042787.2), dbSNP rs757188731, ClinGen allele CA9847903.

ClinVar aggregate classification (germline): Likely benign (0 of 4 stars; one submission).

Conditions:
SRC-related disorder. Also called: SRC-related condition.

Allele frequency attached by ClinVar (database versions not stated): gnomAD 0.00001; TOPMed 0.00002; ExAC 0.00003; gnomAD exomes 0.00003.
gnomAD v4.1: 47 of 1,610,176 alleles (0.0029%); highest among the groups gnomAD compares: Middle Eastern, 0.021%; no homozygotes.

Submission:

PreventionGenetics, part of Exact Sciences
Classification: Likely benign for SRC-related condition. Last evaluated: 2019-06-30. Review status: no assertion criteria provided. Collection method: clinical testing. Allele origin: germline.
Comment: This variant is classified as likely benign based on ACMG/AMP sequence variant interpretation guidelines (Richards et al. 2015 PMID: 25741868, with internal and published modifications).